The following is an entry in ClinVar:

NM_012388.4(BLOC1S6):c.7_22dup (p.Ser8fs)

Gene: BLOC1S6 (biogenesis of lysosomal organelles complex 1 subunit 6; plus strand). Cytogenetic location: 15q21.1.
Variant type: Duplication.
Coding change: c.7_22dup on transcript NM_012388.4 (MANE Select); coding-DNA positions 7 to 22, 16 bases duplicated (GTCCCTGGGCCGTCGT).
Protein change: p.Ser8fs; shifts the reading frame from serine 8.
Molecular consequence: frameshift variant. On other transcripts: non-coding transcript variant (5).
Genome position (GRCh38, 1-based): chr15:45,587,450-45,587,465, GTCCCTGGGCCGTCGT duplicated; duplicating any 16 consecutive bases within chr15:45,587,448-45,587,465 gives the same sequence; the c. name uses the placement nearest the transcript's 3' end. VCF-style (leftmost placement, unchanged base first): chr15-45587447-A-AGTGTCCCTGGGCCGTC. GRCh37 (hg19) VCF-style: chr15-45879645-A-AGTGTCCCTGGGCCGTC.
Other names: short protein forms S8fs.
Identifiers: ClinVar variation 2875941 (VCV002875941.2), dbSNP rs2542261519, ClinGen allele CA2739269417.
Genomic context (GRCh38, chr15:45,587,447, plus strand): 5'-CCTTGCTTCTGACGAGCCACACGTTTGCTTCTTCCCTGTGTTCCCAGCTGGAGGGACATG[A>AGTGTCCCTGGGCCGTC]GTGTCCCTGGGCCGTCGTCTCCGGACGGGGCCCTGACACGGCCACCCTACTGCCTGGAGG-3'

ClinVar aggregate classification (germline): Pathogenic (1 of 4 stars; one submission).

Conditions:
Hermansky-Pudlak syndrome 9 (HPS9). Identifiers: Orphanet 280663, Orphanet 79430, MedGen C3280026, MONDO:0013606, OMIM 614171.

Submission:

Labcorp Genetics (formerly Invitae), Labcorp
Classification: Pathogenic for Hermansky-Pudlak syndrome 9. Last evaluated: 2023-04-17. Review status: criteria provided, single submitter. Criteria: Invitae Variant Classification Sherloc (09022015). Collection method: clinical testing. Allele origin: germline.
Comment: This sequence change creates a premature translational stop signal (p.Ser8Cysfs*29) in the BLOC1S6 gene. It is expected to result in an absent or disrupted protein product. Loss-of-function variants in BLOC1S6 are known to be pathogenic (PMID: 10610180, 21665000, 22461475). This variant is not present in population databases (gnomAD no frequency). This variant has not been reported in the literature in individuals affected with BLOC1S6-related conditions. For these reasons, this variant has been classified as Pathogenic.

Literature cited by the submitters: PubMed 10610180; PubMed 21665000; PubMed 22461475.